The following is an entry in ClinVar:

NM_000059.4(BRCA2):c.7852A>C (p.Ile2618Leu)

Gene: BRCA2 (BRCA2 DNA repair associated; plus strand). Cytogenetic location: 13q13.1.
Variant type: single nucleotide variant.
Coding change: c.7852A>C on transcript NM_000059.4 (MANE Select); coding-DNA position 7852, A replaced by C.
Protein change: p.Ile2618Leu; replaces isoleucine 2618 with leucine.
Molecular consequence: missense variant.
Genome position (GRCh38, 1-based): chr13:32,362,569, A>C. VCF-style: chr13-32362569-A-C. GRCh37 (hg19) VCF-style: chr13-32936706-A-C.
Other names: short protein forms I2618L.
Identifiers: ClinVar variation 827287 (VCV000827287.7), dbSNP rs1371216781, ClinGen allele CA387747049.

ClinVar aggregate classification (germline): Conflicting classifications of pathogenicity. Review status: criteria provided, conflicting classifications (1 of 4 stars). 2 submissions from 2 submitters: Uncertain significance (1); Benign (1). Last evaluated 2025-05-09.

Conditions:
Hereditary breast ovarian cancer syndrome. Also called: Hereditary breast and ovarian cancer syndrome; Hereditary breast and ovarian cancer; Hereditary breast and ovarian cancer syndrome (HBOC); Breast and ovarian cancer; Hereditary breast and/or ovarian cancer syndrome; BRCA1- and BRCA2-Associated Hereditary Breast and Ovarian Cancer. Identifiers: Orphanet 145, MedGen C0677776, MeSH D061325, MONDO:0003582. Disease mechanism: loss of function.
Hereditary cancer-predisposing syndrome. Also called: Neoplastic Syndromes, Hereditary; Tumor predisposition; Hereditary neoplastic syndrome; Hereditary Cancer Syndrome. Identifiers: Orphanet 140162, MedGen C0027672, MeSH D009386, MONDO:0015356.

Allele frequency attached by ClinVar (database versions not stated): gnomAD exomes below 0.00001.

Submissions (2):

Ambry Genetics
Classification: Benign for Hereditary cancer-predisposing syndrome. Last evaluated: 2025-05-09. Review status: criteria provided, single submitter. Criteria: Ambry Variant Classification Scheme 2023. Collection method: clinical testing. Allele origin: germline.

Labcorp Genetics (formerly Invitae), Labcorp
Classification: Uncertain significance for Hereditary breast ovarian cancer syndrome. Last evaluated: 2024-03-17. Review status: criteria provided, single submitter. Criteria: Invitae Variant Classification Sherloc (09022015). Collection method: clinical testing. Allele origin: germline.
Comment: This sequence change replaces isoleucine, which is neutral and non-polar, with leucine, which is neutral and non-polar, at codon 2618 of the BRCA2 protein (p.Ile2618Leu). This variant is present in population databases (no rsID available, gnomAD 0.006%). This variant has not been reported in the literature in individuals affected with BRCA2-related conditions. ClinVar contains an entry for this variant (Variation ID: 827287). Advanced modeling of protein sequence and biophysical properties (such as structural, functional, and spatial information, amino acid conservation, physicochemical variation, residue mobility, and thermodynamic stability) performed at Invitae indicates that this missense variant is not expected to disrupt BRCA2 protein function with a negative predictive value of 95%. In summary, the available evidence is currently insufficient to determine the role of this variant in disease. Therefore, it has been classified as a Variant of Uncertain Significance.